The following is an entry in ClinVar:

ClinVar aggregate classification (germline): Pathogenic (1 of 4 stars; one submission).

Conditions:
BAP1-related tumor predisposition syndrome (TPDS1). Also called: TUMOR PREDISPOSITION SYNDROME 1; Tumor susceptibility linked to germline BAP1 mutations; BAP1 tumor predisposition syndrome; COMMON Syndrome. Identifiers: Orphanet 289539, MedGen C3280492, MONDO:0013692, OMIM 614327.

Submission:

Labcorp Genetics (formerly Invitae), Labcorp
Classification: Pathogenic for BAP1-related tumor predisposition syndrome. Last evaluated: 2019-12-17. Review status: criteria provided, single submitter. Criteria: Invitae Variant Classification Sherloc (09022015). Collection method: clinical testing. Allele origin: germline.
Comment: For these reasons, this variant has been classified as Pathogenic. Loss-of-function variants in BAP1 are known to be pathogenic (PMID: 21874000, 23684012). This variant has not been reported in the literature in individuals with BAP1-related conditions. This variant is not present in population databases (ExAC no frequency). This sequence change creates a premature translational stop signal (p.Gly45*) in the BAP1 gene. It is expected to result in an absent or disrupted protein product.

Literature cited by the submitters: PubMed 21874000; PubMed 23684012.

NM_004656.4(BAP1):c.133G>T (p.Gly45Ter)

Gene: BAP1 (BRCA1 associated deubiquitinase 1; minus strand). Cytogenetic location: 3p21.1.
Variant type: single nucleotide variant.
Coding change: c.133G>T on transcript NM_004656.4 (MANE Select); coding-DNA position 133, G replaced by T.
Protein change: p.Gly45Ter; replaces glycine 45 with a stop codon.
Molecular consequence: nonsense.
Genome position (GRCh38, 1-based): chr3:52,408,596, C>A on the plus strand (G>T on the coding strand, the complement: BAP1 is on the minus strand). VCF-style: chr3-52408596-C-A. GRCh37 (hg19) VCF-style: chr3-52442612-C-A.
Other names: short protein forms G45*.
Identifiers: ClinVar variation 835021 (VCV000835021.9), dbSNP rs1553646045, ClinGen allele CA353113755.